The following is an entry in ClinVar:

ClinVar aggregate classification (germline): Uncertain significance (1 of 4 stars; one submission).

Submission:

Ambry Genetics
Classification: Uncertain significance. Last evaluated: 2025-01-21. Review status: criteria provided, single submitter. Criteria: Ambry Variant Classification Scheme 2023. Collection method: clinical testing. Allele origin: germline.
Comment: The p.P369R variant (also known as c.1106C>G), located in coding exon 5 of the PALLD gene, results from a C to G substitution at nucleotide position 1106. The proline at codon 369 is replaced by arginine, an amino acid with dissimilar properties. This amino acid position is conserved. In addition, the in silico prediction for this alteration is inconclusive. Based on the available evidence, the clinical significance of this variant remains unclear.

NM_001166108.2(PALLD):c.2618C>G (p.Pro873Arg)

Genes: CBR4 (carbonyl reductase 4; minus strand), PALLD (palladin, cytoskeletal associated protein; plus strand). Cytogenetic location: 4q32.3.
Variant type: single nucleotide variant.
Coding change: c.2618C>G on transcript NM_001166108.2 (MANE Select); coding-DNA position 2618, C replaced by G.
Protein change: p.Pro873Arg; replaces proline 873 with arginine.
Molecular consequence: missense variant.
Genome position (GRCh38, 1-based): chr4:168,903,902, C>G. VCF-style: chr4-168903902-C-G. GRCh37 (hg19) VCF-style: chr4-169825053-C-G.
Other names: c.1421C>G, p.Pro474Arg (NM_001166109.2); c.1106C>G, p.Pro369Arg (NM_001166110.2); c.446C>G, p.Pro149Arg (NM_001367567.1, NM_001367569.1); c.497C>G, p.Pro166Arg (NM_001367568.1, NM_001367570.1); c.2567C>G, p.Pro856Arg (NM_016081.4); short protein forms P149R, P166R, P856R, P474R, P873R, P369R.
Identifiers: ClinVar variation 3885316 (VCV003885316.1).
Genomic context (GRCh38, chr4:168,903,902, plus strand): 5'-TCCATACCACAGCCTCCACCCTAGATGATGATGGGAATTATACAATTATGGCTGCAAACC[C>G]TCAGGTAAAGAAGGGTATAGGTCTGGGCTCAGTTCTGTGTCTAGTGCTTACAGGCATTTG-3'
Protein context (NP_001159580.1, residues 863-883): DGNYTIMAAN[Pro873Arg]QGRISCTGRL